The following is an entry in ClinVar:

ClinVar aggregate classification (germline): Benign (1 of 4 stars; one submission).

Conditions:
Heterotaxy, visceral, 4, autosomal (HTX4). Identifiers: Orphanet 450, MedGen C3151057, MONDO:0013403, OMIM 613751.

Allele frequency attached by ClinVar (database versions not stated): 1000 Genomes Project 0.00060; 1000 Genomes Project 30x 0.00062; gnomAD 0.00127 and 0.00139; TOPMed 0.00150.

Submission:

Illumina Laboratory Services, Illumina
Classification: Benign for Heterotaxy, visceral, 4, autosomal. Last evaluated: 2018-01-13. Review status: criteria provided, single submitter. Criteria: ICSL Variant Classification Criteria 13 December 2019. Collection method: clinical testing. Allele origin: germline.
Comment: This variant was observed in the ICSL laboratory as part of a predisposition screen in an ostensibly healthy population. It had not been previously curated by ICSL or reported in the Human Gene Mutation Database (HGMD: prior to June 1st, 2018), and was therefore a candidate for classification through an automated scoring system. Utilizing variant allele frequency, disease prevalence and penetrance estimates, and inheritance mode, an automated score was calculated to assess if this variant is too frequent to cause the disease. Based on the score and internal cut-off values, a variant classified as benign is not then subjected to further curation. The score for this variant resulted in a classification of benign for this disease.

NM_001106.4(ACVR2B):c.*8026C>T

Gene: ACVR2B (activin A receptor type 2B; plus strand). Cytogenetic location: 3p22.2.
Variant type: single nucleotide variant.
Coding change: c.*8026C>T on transcript NM_001106.4 (MANE Select); 8026 bases downstream of the stop codon, C replaced by T.
Molecular consequence: 3 prime UTR variant.
Genome position (GRCh38, 1-based): chr3:38,491,358, C>T. VCF-style: chr3-38491358-C-T. GRCh37 (hg19) VCF-style: chr3-38532849-C-T.
Identifiers: ClinVar variation 900565 (VCV000900565.4), dbSNP rs139304868, ClinGen allele CA72933017.